The following is an entry in ClinVar:

NM_000368.5(TSC1):c.1868_1877del (p.Lys623fs)

Gene: TSC1 (TSC complex subunit 1; minus strand). Cytogenetic location: 9q34.13.
Variant type: Deletion.
Coding change: c.1868_1877del on transcript NM_000368.5 (MANE Select); coding-DNA positions 1868 to 1877, 10 bases deleted (AGACTGAGGA; older notation c.1868_1877delAGACTGAGGA).
Protein change: p.Lys623fs; shifts the reading frame from lysine 623.
Molecular consequence: frameshift variant.
Genome position (GRCh38, 1-based): chr9:132,905,701-132,905,710, TCCTCAGTCT deleted on the plus strand (AGACTGAGGA on the coding strand, the reverse complement: TSC1 is on the minus strand); deleting any 10 consecutive bases within chr9:132,905,701-132,905,714 gives the same sequence; the c. name uses the placement nearest the transcript's 3' end. VCF-style (leftmost placement, unchanged base first): chr9-132905700-CTCCTCAGTCT-C. GRCh37 (hg19) VCF-style: chr9-135781087-CTCCTCAGTCT-C.
Other names: c.1865_1874del, p.Lys622fs (NM_001162426.2); c.1715_1724del, p.Lys572fs (NM_001162427.2); c.1505_1514del, p.Lys502fs (NM_001362177.2); short protein forms K502fs, K572fs, K623fs, K622fs.
Identifiers: ClinVar variation 931763 (VCV000931763.3), dbSNP rs1845615656, ClinGen allele CA1139661277.
Genomic context (GRCh38, chr9:132,905,700, plus strand): 5'-CATTGGGGAGGTAGAGGGCACACCATCTTCCTCTGTGTTTCCTTTTGCTTTCTTTAACAG[CTCCTCAGTCT>C]TCCTGATGACAAAATGATGGGCTGTCTTTGGCAATGCCACCTCAAAAAGATGATCATACG-3'

ClinVar aggregate classification (germline): Pathogenic (1 of 4 stars; one submission).

Conditions:
Lymphangiomyomatosis (LAM). Also called: Lymphangioleiomyomatosis; Lymphangioleiomyomatosis, somatic. Identifiers: Orphanet 538, MedGen C0751674, MONDO:0011705, OMIM 606690.

Submission:

Centre for Mendelian Genomics, University Medical Centre Ljubljana
Classification: Pathogenic for Lymphangiomyomatosis. Last evaluated: 2019-09-05. Review status: criteria provided, single submitter. Criteria: ACMG Guidelines, 2015. Collection method: clinical testing. Allele origin: unknown. Affected: yes.
Comment: This variant was classified as: Pathogenic. The following ACMG criteria were applied in classifying this variant: PVS1,PM2,PP4.